The following is an entry in ClinVar:

ClinVar aggregate classification (germline): Uncertain significance (1 of 4 stars; one submission).

Submission:

GeneDx
Classification: Uncertain significance. Last evaluated: 2023-04-16. Review status: criteria provided, single submitter. Criteria: GeneDx Variant Classification Process June 2021. Collection method: clinical testing. Allele origin: germline. Affected: yes.
Comment: Not observed at significant frequency in large population cohorts (gnomAD); In silico analysis supports that this missense variant has a deleterious effect on protein structure/function; Has not been previously published as pathogenic or benign to our knowledge

NM_015057.5(MYCBP2):c.2501A>C (p.Glu834Ala)

Gene: MYCBP2 (MYC binding protein 2; minus strand). Cytogenetic location: 13q22.3.
Variant type: single nucleotide variant.
Coding change: c.2501A>C on transcript NM_015057.5 (MANE Select); coding-DNA position 2501, A replaced by C.
Protein change: p.Glu834Ala; replaces glutamic acid 834 with alanine.
Molecular consequence: missense variant.
Genome position (GRCh38, 1-based): chr13:77,243,832, T>G on the plus strand (A>C on the coding strand, the complement: MYCBP2 is on the minus strand). VCF-style: chr13-77243832-T-G. GRCh37 (hg19) VCF-style: chr13-77817967-T-G.
Other names: short protein forms E834A.
Identifiers: ClinVar variation 3343120 (VCV003343120.1).